The following is an entry in ClinVar:

NM_144670.6(A2ML1):c.256C>T (p.Pro86Ser)

Genes: A2ML1 (alpha-2-macroglobulin like 1; plus strand), A2ML1-AS1 (A2ML1 antisense RNA 1; minus strand). Cytogenetic location: 12p13.31.
Variant type: single nucleotide variant.
Coding change: c.256C>T on transcript NM_144670.6 (MANE Select); coding-DNA position 256, C replaced by T.
Protein change: p.Pro86Ser; replaces proline 86 with serine.
Molecular consequence: missense variant.
Genome position (GRCh38, 1-based): chr12:8,823,729, C>T. VCF-style: chr12-8823729-C-T. GRCh37 (hg19) VCF-style: chr12-8976325-C-T.
Other names: c.256C>T (NM_144670.5); short protein forms P86S.
Identifiers: ClinVar variation 967222 (VCV000967222.10), dbSNP rs766201825, ClinGen allele CA6435220.

ClinVar aggregate classification (germline): Uncertain significance. Review status: criteria provided, multiple submitters, no conflicts (2 of 4 stars). 2 submissions from 2 submitters: Uncertain significance (2). Last evaluated 2025-01-20.

Conditions:
A2ML1-related disorder. Also called: A2ML1-related condition.

Allele frequency attached by ClinVar (database versions not stated): gnomAD exomes 0.00002 and 0.00006; gnomAD 0.00003 and 0.00008; TOPMed 0.00003; ExAC 0.00008; 1000 Genomes Project 0.00020; 1000 Genomes Project 30x 0.00031.

Submissions (2):

Labcorp Genetics (formerly Invitae), Labcorp
Classification: Uncertain significance. Last evaluated: 2025-01-20. Review status: criteria provided, single submitter. Criteria: Invitae Variant Classification Sherloc (09022015). Collection method: clinical testing. Allele origin: germline.
Comment: This sequence change replaces proline, which is neutral and non-polar, with serine, which is neutral and polar, at codon 86 of the A2ML1 protein (p.Pro86Ser). This variant is present in population databases (rs766201825, gnomAD 0.05%). This missense change has been observed in individual(s) with a non-classical Noonan-like RASopathy (PMID: 29402968). ClinVar contains an entry for this variant (Variation ID: 967222). An algorithm developed to predict the effect of missense changes on protein structure and function (PolyPhen-2) suggests that this variant is likely to be disruptive. In summary, the available evidence is currently insufficient to determine the role of this variant in disease. Therefore, it has been classified as a Variant of Uncertain Significance.

PreventionGenetics, part of Exact Sciences
Classification: Uncertain significance for A2ML1-related condition. Last evaluated: 2022-09-28. Review status: criteria provided, single submitter. Criteria: ACMG Guidelines, 2015. Collection method: clinical testing. Allele origin: germline.
Comment: The A2ML1 c.256C>T variant is predicted to result in the amino acid substitution p.Pro86Ser. This variant was reported in an individual with phenotypes overlapping with RASopathies (Table 1B - Leung et al. 2018. PubMed ID: 29402968). However, this variant is reported in 0.046% of alleles in individuals of East Asian descent in gnomAD, which is more frequent then expected for a pathogenic RASopathy variant (Gelb et al. 2018. PubMed ID: 29493581). Although we suspect this variant may be benign, at this time, the clinical significance of this variant is uncertain due to the absence of conclusive functional and genetic evidence.

Literature cited by the submitters: PubMed 29402968 (cited by Labcorp Genetics (formerly Invitae), Labcorp).